The following is an entry in ClinVar:

ClinVar aggregate classification (germline): Benign/Likely benign. Review status: criteria provided, multiple submitters, no conflicts (2 of 4 stars). 4 submissions from 4 submitters: Benign (3); Likely benign (1). Last evaluated 2024-10-02.

Conditions:
Hereditary factor X deficiency disease. Also called: Congenital factor X deficiency; STUART-PROWER FACTOR DEFICIENCY. Identifiers: Orphanet 328, MedGen C0272327, MONDO:0009212, OMIM 227600.

Allele frequency attached by ClinVar (database versions not stated): ExAC 0.00114; ESP Exome Variant Server 0.00308; 1000 Genomes Project 0.00399; 1000 Genomes Project 30x 0.00422.
gnomAD v4.1: 1,054 of 1,612,944 alleles (0.065%); highest among the groups gnomAD compares: African/African-American, 1.2%; 3 homozygotes.

Submissions (4):

Blueprint Genetics
Classification: Likely benign. Last evaluated: 2024-10-02. Review status: criteria provided, single submitter. Criteria: ACMG Guidelines, 2015. Collection method: clinical testing. Allele origin: germline.

Labcorp Genetics (formerly Invitae), Labcorp
Classification: Benign. Last evaluated: 2018-12-27. Review status: criteria provided, single submitter. Criteria: Invitae Variant Classification Sherloc (09022015). Collection method: clinical testing. Allele origin: germline.

Illumina Laboratory Services, Illumina
Classification: Benign for Hereditary factor X deficiency disease. Last evaluated: 2018-01-12. Review status: criteria provided, single submitter. Criteria: ICSL Variant Classification Criteria 13 December 2019. Collection method: clinical testing. Allele origin: germline.
Comment: This variant was observed in the ICSL laboratory as part of a predisposition screen in an ostensibly healthy population. It had not been previously curated by ICSL or reported in the Human Gene Mutation Database (HGMD: prior to June 1st, 2018), and was therefore a candidate for classification through an automated scoring system. Utilizing variant allele frequency, disease prevalence and penetrance estimates, and inheritance mode, an automated score was calculated to assess if this variant is too frequent to cause the disease. Based on the score and internal cut-off values, a variant classified as benign is not then subjected to further curation. The score for this variant resulted in a classification of benign for this disease.

Breakthrough Genomics
Classification: Benign. Review status: criteria provided, single submitter. Criteria: ACMG Guidelines, 2015. Collection method: not provided. Allele origin: germline. Inheritance: Autosomal recessive inheritance. Affected: yes.

NM_000504.4(F10):c.1115G>C (p.Arg372Pro)

Genes: F10 (coagulation factor X; plus strand), F10-AS2 (F10 antisense RNA 2; minus strand). Cytogenetic location: 13q34.
Variant type: single nucleotide variant.
Coding change: c.1115G>C on transcript NM_000504.4 (MANE Select); coding-DNA position 1115, G replaced by C.
Protein change: p.Arg372Pro; replaces arginine 372 with proline.
Molecular consequence: missense variant. On other transcripts: 3 prime UTR variant (1).
Genome position (GRCh38, 1-based): chr13:113,149,165, G>C. VCF-style: chr13-113149165-G-C. GRCh37 (hg19) VCF-style: chr13-113803479-G-C.
Other names: c.983G>C, p.Arg328Pro (NM_001312674.2); c.*106G>C (NM_001312675.2); short protein forms R328P, R372P.
Identifiers: ClinVar variation 716179 (VCV000716179.9), dbSNP rs142699098, ClinGen allele CA7060689.